The following is an entry in ClinVar:

ClinVar aggregate classification (germline): Uncertain significance. Review status: criteria provided, multiple submitters, no conflicts (2 of 4 stars). 3 submissions from 3 submitters: Uncertain significance (3). Last evaluated 2023-12-11.

Conditions:
Charcot-Marie-Tooth disease type 4. Also called: Charcot-Marie-Tooth disease, type IV; Charcot-Marie-Tooth, Type 4. Identifiers: Orphanet 64749, MedGen C4082197, MONDO:0018995.
Charcot-Marie-Tooth disease type 4B2. Also called: Charcot-Marie-Tooth Neuropathy Type 4B2; CHARCOT-MARIE-TOOTH DISEASE, WITH FOCALLY FOLDED MYELIN SHEATHS, AUTOSOMAL RECESSIVE, TYPE 4B2; CMT 4B2; CHARCOT-MARIE-TOOTH DISEASE, DEMYELINATING, TYPE 4B2. Identifiers: Orphanet 99956, MedGen C1858278, MONDO:0011475, OMIM 604563.
Inborn genetic diseases. Identifiers: MedGen C0950123, MeSH D030342.

Allele frequency attached by ClinVar (database versions not stated): gnomAD exomes below 0.00001 and 0.00001; ExAC 0.00001; gnomAD 0.00001 and 0.00002; TOPMed 0.00004.
gnomAD v4.1: 19 of 1,613,924 alleles (0.0012%); highest among the groups gnomAD compares: Middle Eastern, 0.033%; no homozygotes.

Submissions (3):

Ambry Genetics
Classification: Uncertain significance for Inborn genetic diseases. Last evaluated: 2023-12-11. Review status: criteria provided, single submitter. Criteria: Ambry Variant Classification Scheme 2023. Collection method: clinical testing. Allele origin: germline.

Labcorp Genetics (formerly Invitae), Labcorp
Classification: Uncertain significance for Charcot-Marie-Tooth disease type 4. Last evaluated: 2020-06-04. Review status: criteria provided, single submitter. Criteria: Invitae Variant Classification Sherloc (09022015). Collection method: clinical testing. Allele origin: germline.
Comment: In summary, the available evidence is currently insufficient to determine the role of this variant in disease. Therefore, it has been classified as a Variant of Uncertain Significance. Algorithms developed to predict the effect of missense changes on protein structure and function are either unavailable or do not agree on the potential impact of this missense change (SIFT: "Tolerated"; PolyPhen-2: "Probably Damaging"; Align-GVGD: "Class C0"). This variant has not been reported in the literature in individuals with SBF2-related conditions. ClinVar contains an entry for this variant (Variation ID: 306593). This variant is present in population databases (rs755699993, ExAC 0.002%). This sequence change replaces arginine with glutamine at codon 890 of the SBF2 protein (p.Arg890Gln). The arginine residue is highly conserved and there is a small physicochemical difference between arginine and glutamine.

Illumina Laboratory Services, Illumina
Classification: Uncertain significance for Charcot-Marie-Tooth disease type 4B2. Last evaluated: 2018-01-12. Review status: criteria provided, single submitter. Criteria: ICSL Variant Classification Criteria 13 December 2019. Collection method: clinical testing. Allele origin: germline.

NM_030962.4(SBF2):c.2669G>A (p.Arg890Gln)

Genes: SBF2 (SET binding factor 2; minus strand), LOC101928008 (uncharacterized LOC101928008; plus strand). Cytogenetic location: 11p15.4.
Variant type: single nucleotide variant.
Coding change: c.2669G>A on transcript NM_030962.4 (MANE Select); coding-DNA position 2669, G replaced by A.
Protein change: p.Arg890Gln; replaces arginine 890 with glutamine.
Molecular consequence: missense variant.
Genome position (GRCh38, 1-based): chr11:9,850,160, C>T on the plus strand (G>A on the coding strand, the complement: SBF2 is on the minus strand). VCF-style: chr11-9850160-C-T. GRCh37 (hg19) VCF-style: chr11-9871707-C-T.
Other names: c.2669G>A, p.Arg890Gln (NM_001386339.1); c.2540G>A, p.Arg847Gln (NM_001386342.1); short protein forms R890Q, R847Q.
Identifiers: ClinVar variation 306593 (VCV000306593.14), dbSNP rs755699993, ClinGen allele CA5881478.